The following is an entry in ClinVar:

NM_032656.4(DHX37):c.448C>T (p.His150Tyr)

Gene: DHX37 (DEAH-box helicase 37; minus strand). Cytogenetic location: 12q24.31.
Variant type: single nucleotide variant.
Coding change: c.448C>T on transcript NM_032656.4 (MANE Select); coding-DNA position 448, C replaced by T.
Protein change: p.His150Tyr; replaces histidine 150 with tyrosine.
Molecular consequence: missense variant.
Genome position (GRCh38, 1-based): chr12:124,980,780, G>A on the plus strand (C>T on the coding strand, the complement: DHX37 is on the minus strand). VCF-style: chr12-124980780-G-A. GRCh37 (hg19) VCF-style: chr12-125465326-G-A.
Other names: c.448C>T (NM_032656.3); short protein forms H150Y.
Identifiers: ClinVar variation 2421878 (VCV002421878.7), dbSNP rs776845826, ClinGen allele CA6872446.
Genomic context (GRCh38, chr12:124,980,780, plus strand): 5'-CCGACTCCTCCTCCTCCTCCTCCTCCTCCTCAGCTGAGGGCCAGCGGCGACGCTTCCGGT[G>A]GGCACCGCTGAGGCTACTGATCTTCTCCTGGCCCGGGGCTACCACCTCGTCAGCCTTCCT-3'
Protein context (NP_116045.2, residues 140-160): QEKISSLSGA[His150Tyr]RKRRRWPSAE

ClinVar aggregate classification (germline): Uncertain significance. Review status: criteria provided, multiple submitters, no conflicts (2 of 4 stars). 2 submissions from 2 submitters: Uncertain significance (2). Last evaluated 2024-02-24.

Conditions:
Inborn genetic diseases. Identifiers: MedGen C0950123, MeSH D030342.

Allele frequency attached by ClinVar (database versions not stated): gnomAD 0.00007; TOPMed 0.00008; ExAC 0.00030.

Submissions (2):

Labcorp Genetics (formerly Invitae), Labcorp
Classification: Uncertain significance. Last evaluated: 2024-02-24. Review status: criteria provided, single submitter. Criteria: Invitae Variant Classification Sherloc (09022015). Collection method: clinical testing. Allele origin: germline.
Comment: This sequence change replaces histidine, which is basic and polar, with tyrosine, which is neutral and polar, at codon 150 of the DHX37 protein (p.His150Tyr). This variant is present in population databases (rs776845826, gnomAD 0.01%). This variant has not been reported in the literature in individuals affected with DHX37-related conditions. ClinVar contains an entry for this variant (Variation ID: 2421878). An algorithm developed to predict the effect of missense changes on protein structure and function (PolyPhen-2) suggests that this variant is likely to be tolerated. In summary, the available evidence is currently insufficient to determine the role of this variant in disease. Therefore, it has been classified as a Variant of Uncertain Significance.

Ambry Genetics
Classification: Uncertain significance for Inborn genetic diseases. Last evaluated: 2023-12-14. Review status: criteria provided, single submitter. Criteria: Ambry Variant Classification Scheme 2023. Collection method: clinical testing. Allele origin: germline.